The following is an entry in ClinVar:

NM_000059.4(BRCA2):c.5240A>T (p.Asn1747Ile)

Gene: BRCA2 (BRCA2 DNA repair associated; plus strand). Cytogenetic location: 13q13.1.
Variant type: single nucleotide variant.
Coding change: c.5240A>T on transcript NM_000059.4 (MANE Select); coding-DNA position 5240, A replaced by T.
Protein change: p.Asn1747Ile; replaces asparagine 1747 with isoleucine.
Molecular consequence: missense variant.
Genome position (GRCh38, 1-based): chr13:32,339,595, A>T. VCF-style: chr13-32339595-A-T. GRCh37 (hg19) VCF-style: chr13-32913732-A-T.
Other names: short protein forms N1747I.
Identifiers: ClinVar variation 1331866 (VCV001331866.6), dbSNP rs1555284128, ClinGen allele CA387784681.

ClinVar aggregate classification (germline): Conflicting classifications of pathogenicity. Review status: criteria provided, conflicting classifications (1 of 4 stars). 3 submissions from 3 submitters: Uncertain significance (2); Likely benign (1). Last evaluated 2024-05-21.

Conditions:
Hereditary cancer-predisposing syndrome. Also called: Tumor predisposition; Hereditary Cancer Syndrome; Neoplastic Syndromes, Hereditary; Hereditary neoplastic syndrome. Identifiers: Orphanet 140162, MedGen C0027672, MeSH D009386, MONDO:0015356.
Hereditary breast ovarian cancer syndrome. Also called: Hereditary breast and ovarian cancer syndrome; Hereditary breast and ovarian cancer; Hereditary breast and ovarian cancer syndrome (HBOC); Hereditary breast and/or ovarian cancer syndrome; Breast and ovarian cancer; BRCA1- and BRCA2-Associated Hereditary Breast and Ovarian Cancer. Identifiers: Orphanet 145, MedGen C0677776, MeSH D061325, MONDO:0003582. Disease mechanism: loss of function.

Submissions (3):

Labcorp Genetics (formerly Invitae), Labcorp
Classification: Uncertain significance for Hereditary breast ovarian cancer syndrome. Last evaluated: 2024-05-21. Review status: criteria provided, single submitter. Criteria: Invitae Variant Classification Sherloc (09022015). Collection method: clinical testing. Allele origin: germline.
Comment: This sequence change replaces asparagine, which is neutral and polar, with isoleucine, which is neutral and non-polar, at codon 1747 of the BRCA2 protein (p.Asn1747Ile). This variant is not present in population databases (gnomAD no frequency). This variant has not been reported in the literature in individuals affected with BRCA2-related conditions. ClinVar contains an entry for this variant (Variation ID: 1331866). Advanced modeling of protein sequence and biophysical properties (such as structural, functional, and spatial information, amino acid conservation, physicochemical variation, residue mobility, and thermodynamic stability) performed at Invitae indicates that this missense variant is not expected to disrupt BRCA2 protein function with a negative predictive value of 95%. In summary, the available evidence is currently insufficient to determine the role of this variant in disease. Therefore, it has been classified as a Variant of Uncertain Significance.

University of Washington Department of Laboratory Medicine, University of Washington
Classification: Likely benign for Hereditary cancer-predisposing syndrome. Last evaluated: 2023-03-23. Review status: criteria provided, single submitter. Criteria: Dines et al. (Genet Med. 2020). Collection method: curation. Allele origin: germline.
Comment: Missense variant in a coldspot region where missense variants are very unlikely to be pathogenic (PMID:31911673).

BRCA2 exon 11 coldspot. Reclassification based on statistical prior probability.

Color Diagnostics, LLC DBA Color Health
Classification: Uncertain significance for Hereditary cancer-predisposing syndrome. Last evaluated: 2021-07-15. Review status: criteria provided, single submitter. Criteria: ACMG Guidelines, 2015. Collection method: clinical testing. Allele origin: germline.
Comment: This missense variant replaces asparagine with isoleucine at codon 1747 of the BRCA2 protein. Computational prediction suggests that this variant may not impact protein structure and function (internally defined REVEL score threshold <= 0.5, PMID: 27666373). To our knowledge, functional studies have not been reported for this variant. This variant has not been reported in individuals affected with hereditary cancer in the literature. This variant has not been identified in the general population by the Genome Aggregation Database (gnomAD). The available evidence is insufficient to determine the role of this variant in disease conclusively. Therefore, this variant is classified as a Variant of Uncertain Significance.